The following is an entry in ClinVar:

NM_006852.6(TLK2):c.1856A>G (p.Tyr619Cys)

Gene: TLK2 (tousled like kinase 2; plus strand). Cytogenetic location: 17q23.2.
Variant type: single nucleotide variant.
Coding change: c.1856A>G on transcript NM_006852.6 (MANE Select); coding-DNA position 1856, A replaced by G.
Protein change: p.Tyr619Cys; replaces tyrosine 619 with cysteine.
Molecular consequence: missense variant.
Genome position (GRCh38, 1-based): chr17:62,602,177, A>G. VCF-style: chr17-62602177-A-G. GRCh37 (hg19) VCF-style: chr17-60679538-A-G.
Other names: c.1922A>G, p.Tyr641Cys (NM_001284333.3); c.1760A>G, p.Tyr587Cys (NM_001284363.1, NM_001375272.1); c.1409A>G, p.Tyr470Cys (NM_001330418.3, NM_001375273.1); c.1898A>G, p.Tyr633Cys (NM_001375269.1); c.1856A>G, p.Tyr619Cys (NM_001375270.1, NM_001375271.1); c.1571A>G, p.Tyr524Cys (NM_001411074.1); short protein forms Y470C, Y524C, Y587C, Y619C, Y633C, Y641C.
Identifiers: ClinVar variation 3603050 (VCV003603050.1).

ClinVar aggregate classification (germline): Uncertain significance (1 of 4 stars; one submission).

Submission:

GeneDx
Classification: Uncertain significance. Last evaluated: 2024-07-28. Review status: criteria provided, single submitter. Criteria: GeneDx Variant Classification Process June 2021. Collection method: clinical testing. Allele origin: germline. Affected: yes.
Comment: Not observed at significant frequency in large population cohorts (gnomAD); In silico analysis supports that this missense variant has a deleterious effect on protein structure/function; Has not been previously published as pathogenic or benign to our knowledge